The following is an entry in ClinVar:

ClinVar aggregate classification (germline): Uncertain significance. Review status: criteria provided, multiple submitters, no conflicts (2 of 4 stars). 2 submissions from 2 submitters: Uncertain significance (2). Last evaluated 2025-03-11.

Conditions:
Type 2 diabetes mellitus. Also called: Type II diabetes mellitus. Identifiers: MedGen C0011860, MeSH D003924, MONDO:0005148, OMIM 125853, HP:0005978.
Leucine-induced hypoglycemia (LIH). Also called: LEUCINE-SENSITIVE HYPOGLYCEMIA OF INFANCY. Identifiers: MedGen C0271714, MONDO:0009415, OMIM 240800.
Diabetes mellitus, permanent neonatal 3. Also called: ABCC8-Related Permanent Neonatal Diabetes Mellitus. Identifiers: MedGen C5394303, MONDO:0030088, OMIM 618857.
Diabetes mellitus, transient neonatal, 2 (TNDM2). Identifiers: Orphanet 99886, MedGen C1835887, MONDO:0012480, OMIM 610374. Disease mechanism: loss of function.
Hyperinsulinemic hypoglycemia, familial, 1 (HHF1). Also called: NESIDIOBLASTOSIS OF PANCREAS; Persistent hyperinsulinemic hypoglycemia of infancy; HYPERINSULINISM, FAMILIAL, WITH PANCREATIC NESIDIOBLASTOSIS; HYPOGLYCEMIA, HYPERINSULINEMIC, OF INFANCY; Persistent Hyperinsulinemia Hypoglycemia of Infancy. Identifiers: Orphanet 276575, Orphanet 276598, MedGen C2931832, MONDO:0009734, OMIM 256450.

gnomAD v4.1: 93 of 1,614,220 alleles (0.0058%); highest among the groups gnomAD compares: Non-Finnish European, 0.0074%; no homozygotes.

Submissions (2):

Women's Health and Genetics/Laboratory Corporation of America, LabCorp
Classification: Uncertain significance. Last evaluated: 2025-03-11. Review status: criteria provided, single submitter. Criteria: LabCorp Variant Classification Summary - May 2015. Collection method: clinical testing. Allele origin: germline.
Comment: Variant summary: ABCC8 c.743G>A (p.Arg248Gln) results in a conservative amino acid change in the encoded protein sequence. Four of five in-silico tools predict a benign effect of the variant on protein function. The variant allele was found at a frequency of 1.6e-05 in 251482 control chromosomes. The available data on variant occurrences in the general population are insufficient to allow any conclusion about variant significance. c.743G>A has been reported in the literature in an individual affected with type 2 diabetes without familial segregation (Tarasov_2008). This report does not provide unequivocal conclusions about association of the variant with Monogenic Diabetes. At least one publication reports experimental evidence evaluating an impact on protein function. These results showed no damaging effect of this variant (Tarasov_2008). The following publication has been ascertained in the context of this evaluation (PMID: 18346985). ClinVar contains an entry for this variant (Variation ID: 3599413). Based on the evidence outlined above, the variant was classified as uncertain significance.

Fulgent Genetics
Classification: Uncertain significance for Type 2 diabetes mellitus; Leucine-induced hypoglycemia; Hyperinsulinemic hypoglycemia, familial, 1; Diabetes mellitus, transient neonatal, 2; Diabetes mellitus, permanent neonatal 3. Last evaluated: 2024-04-21. Review status: criteria provided, single submitter. Criteria: ACMG Guidelines, 2015. Collection method: clinical testing. Allele origin: germline.

Literature cited by the submitters: PubMed 18346985 (cited by Women's Health and Genetics/Laboratory Corporation of America, LabCorp).

NM_000352.6(ABCC8):c.743G>A (p.Arg248Gln)

Gene: ABCC8 (ATP binding cassette subfamily C member 8; minus strand). Cytogenetic location: 11p15.1.
Variant type: single nucleotide variant.
Coding change: c.743G>A on transcript NM_000352.6 (MANE Select); coding-DNA position 743, G replaced by A.
Protein change: p.Arg248Gln; replaces arginine 248 with glutamine.
Molecular consequence: missense variant. On other transcripts: non-coding transcript variant (1).
Genome position (GRCh38, 1-based): chr11:17,461,662, C>T on the plus strand (G>A on the coding strand, the complement: ABCC8 is on the minus strand). VCF-style: chr11-17461662-C-T. GRCh37 (hg19) VCF-style: chr11-17483209-C-T.
Other names: c.743G>A, p.Arg248Gln (NM_001287174.3, NM_001351295.2, NM_001351296.2 and 1 more transcripts); short protein forms R248Q.
Identifiers: ClinVar variation 3599413 (VCV003599413.2).
Genomic context (GRCh38, chr11:17,461,662, plus strand): 5'-TCGCAGAGCCGTTGGTAGTTGGTGAGGGCCCTCATGGCGATGGGCAGCTTCCCGATGGCT[C>T]GCAAGTCGATGGGCTTCTTGTGGGCAGTCTTGATGAAGGCGTTCATCCACCAGTAGGTGC-3'
Protein context (NP_000343.2, residues 238-258): KTAHKKPIDL[Arg248Gln]AIGKLPIAMR